The following is an entry in ClinVar:

NM_021830.5(TWNK):c.1280A>C (p.Glu427Ala)

Gene: TWNK (twinkle mtDNA helicase; plus strand). Cytogenetic location: 10q24.31.
Variant type: single nucleotide variant.
Coding change: c.1280A>C on transcript NM_021830.5 (MANE Select); coding-DNA position 1280, A replaced by C.
Protein change: p.Glu427Ala; replaces glutamic acid 427 with alanine.
Molecular consequence: missense variant. On other transcripts: 5 prime UTR variant (2), non-coding transcript variant (2), intron variant (1).
Genome position (GRCh38, 1-based): chr10:100,989,680, A>C. VCF-style: chr10-100989680-A-C. GRCh37 (hg19) VCF-style: chr10-102749437-A-C.
Other names: c.1280A>C, p.Glu427Ala (NM_001163812.2); c.-83A>C (NM_001163813.2, NM_001163814.2); c.-57-26A>C (NM_001368275.1); short protein forms E427A.
Identifiers: ClinVar variation 4838534 (VCV004838534.1).

ClinVar aggregate classification (germline): Uncertain significance (1 of 4 stars; one submission).

Conditions:
Inborn genetic diseases. Identifiers: MedGen C0950123, MeSH D030342.

Submission:

Ambry Genetics
Classification: Uncertain significance for Inborn genetic diseases. Last evaluated: 2025-12-24. Review status: criteria provided, single submitter. Criteria: Ambry Variant Classification Scheme 2023. Collection method: clinical testing. Allele origin: germline.
Comment: The c.1280A>C (p.E427A) alteration is located in exon 2 (coding exon 2) of the C10orf2 gene. This alteration results from a A to C substitution at nucleotide position 1280, causing the glutamic acid (E) at amino acid position 427 to be replaced by an alanine (A). Based on data from gnomAD, the C allele has an overall frequency of <0.001% (1/251492) total alleles studied. The highest observed frequency was <0.001% (/) of alleles. Based on insufficient or conflicting evidence, the clinical significance of this alteration remains unclear.